The following is an entry in ClinVar:

NM_032119.3(ADGRV1):c.(?_4379)_(4752_?)del

Gene: ADGRV1 (adhesion G protein-coupled receptor V1; plus strand). Cytogenetic location: 5q14.3.
Variant type: Deletion.
Coding change: c.(?_4379)_(4752_?)del on transcript NM_032119.3; a large deletion whose breakpoints are not mapped to the base.
Identifiers: ClinVar variation 179513 (VCV000179513.4).

ClinVar aggregate classification (germline): Pathogenic (1 of 4 stars; one submission).

Conditions:
Rare genetic deafness. Identifiers: Orphanet 96210, MedGen C5680250.

Submission:

Laboratory for Molecular Medicine, Mass General Brigham Personalized Medicine
Classification: Pathogenic for Rare genetic deafness. Last evaluated: 2015-06-24. Review status: criteria provided, single submitter. Criteria: LMM Criteria. Collection method: clinical testing. Allele origin: germline. Inheritance: Autosomal recessive inheritance. Observed: 2 variant alleles.
Comment: It was ab sent from large population studies. This variant results in the deletion of 1 ou t of the 90 coding exons in GPR98, and is predicted to introduce a frameshift le ading to a truncated or absent protein. In summary, this variant meets our crite ria to be classified as pathogenic for Usher syndrome in an autosomal recessive manner, based on its predicted impac t to the protein.